The following is an entry in ClinVar:

NM_001103.4(ACTN2):c.1864G>A (p.Asp622Asn)

Gene: ACTN2 (actinin alpha 2; plus strand). Cytogenetic location: 1q43.
Variant type: single nucleotide variant.
Coding change: c.1864G>A on transcript NM_001103.4 (MANE Select); coding-DNA position 1864, G replaced by A.
Protein change: p.Asp622Asn; replaces aspartic acid 622 with asparagine.
Molecular consequence: missense variant.
Genome position (GRCh38, 1-based): chr1:236,753,971, G>A. VCF-style: chr1-236753971-G-A. GRCh37 (hg19) VCF-style: chr1-236917271-G-A.
Other names: p.D622N:GAT>AAT; c.1864G>A, p.Asp622Asn (NM_001278343.2); c.1240G>A, p.Asp414Asn (NM_001278344.2); short protein forms D622N, D414N.
Identifiers: ClinVar variation 43917 (VCV000043917.61), dbSNP rs138452803, ClinGen allele CA133154.
Genomic context (GRCh38, chr1:236,753,971, plus strand): 5'-TGGCCTCTAACCCTTGTTGTCCTTGGGCCCTGACAGGTGAAGCAACTCGTGCCCATCCGC[G>A]ATCAATCCCTGCAGGAGGAGCTGGCTCGCCAGCATGCTAACGAGCGTCTGAGGCGCCAGT-3'
Protein context (NP_001094.1, residues 612-632): DKVKQLVPIR[Asp622Asn]QSLQEELARQ

ClinVar aggregate classification (germline): Conflicting classifications of pathogenicity. Review status: criteria provided, conflicting classifications (1 of 4 stars). 14 submissions from 14 submitters: Uncertain significance (1); Benign (2); Likely benign (7). 4 of the submissions do not count toward it. Last evaluated 2026-01-18.

Conditions:
ACTN2-related disorder. Also called: ACTN2-related disorders; ACTN2 related condition.
Cardiovascular phenotype. Identifiers: MedGen CN230736.
Cardiomyopathy (CMYO). Also called: Cardiomyopathies. Identifiers: Orphanet 167848, MedGen C0878544, MONDO:0004994, HP:0001638. Inheritance: Various modes of inheritance.
Dilated cardiomyopathy 1AA (CMD1AA). Also called: CARDIOMYOPATHY, DILATED, 1AA, WITH OR WITHOUT LEFT VENTRICULAR NONCOMPACTION; CARDIOMYOPATHY, FAMILIAL HYPERTROPHIC, 23, WITH OR WITHOUT LEFT VENTRICULAR NONCOMPACTION; Cardiomyopathy, dilated, 1AA, with or without LVNC. Identifiers: Orphanet 154, MedGen C2677338, MONDO:0012808, OMIM 612158.
Primary familial hypertrophic cardiomyopathy (HCM). Identifiers: Orphanet 99739, MedGen C0949658, MeSH D024741, MONDO:0024573. Inheritance: Various modes of inheritance.

Allele frequency attached by ClinVar (database versions not stated): gnomAD exomes 0.00009 and 0.00023; ExAC 0.00030; 1000 Genomes Project 0.00060; 1000 Genomes Project 30x 0.00062; ESP Exome Variant Server 0.00085; gnomAD 0.00086 and 0.00094; TOPMed 0.00091.
gnomAD v4.1: 264 of 1,612,072 alleles (0.016%); highest among the groups gnomAD compares: African/African-American, 0.28%; 1 homozygote.

Submissions (14):

Labcorp Genetics (formerly Invitae), Labcorp
Classification: Likely benign for Primary familial hypertrophic cardiomyopathy; Dilated cardiomyopathy 1AA. Last evaluated: 2026-01-18. Review status: criteria provided, single submitter. Criteria: Invitae Variant Classification Sherloc (09022015). Collection method: clinical testing. Allele origin: germline.

PreventionGenetics, part of Exact Sciences
Classification: Likely benign for ACTN2-related condition. Last evaluated: 2025-12-17. Review status: criteria provided, single submitter. Criteria: ACMG Guidelines, 2015. Collection method: clinical testing. Allele origin: germline.
Comment: This variant is classified as likely benign based on ACMG/AMP sequence variant interpretation guidelines (Richards et al. 2015 PMID: 25741868, with internal and published modifications).

Molecular Diagnostic Laboratory for Inherited Cardiovascular Disease, Montreal Heart Institute
Classification: Likely benign. Last evaluated: 2025-04-09. Review status: criteria provided, single submitter. Criteria: ACMG Guidelines, 2015. Collection method: clinical testing. Allele origin: germline. Affected: no.

CeGaT Center for Human Genetics Tuebingen
Classification: Benign. Last evaluated: 2024-08-01. Review status: criteria provided, single submitter. Criteria: CeGaT Center For Human Genetics Tuebingen Variant Classification Criteria Version 2. Collection method: clinical testing. Allele origin: germline. Affected: yes. Observed: 2 variant alleles.
Comment: ACTN2: BS1, BS2

CHEO Genetics Diagnostic Laboratory, Children's Hospital of Eastern Ontario
Classification: Benign for Cardiomyopathy. Last evaluated: 2020-04-17. Review status: criteria provided, single submitter. Criteria: ACMG Guidelines, 2015. Collection method: clinical testing. Allele origin: germline. Study: Canadian Open Genetics Repository.

GeneDx
Classification: Likely benign. Last evaluated: 2020-03-27. Review status: criteria provided, single submitter. Criteria: GeneDx Variant Classification Process June 2021. Collection method: clinical testing. Allele origin: germline. Affected: yes.
Comment: This variant is associated with the following publications: (PMID: 31737537)

Women's Health and Genetics/Laboratory Corporation of America, LabCorp
Classification: Likely benign. Last evaluated: 2019-09-23. Review status: criteria provided, single submitter. Criteria: LabCorp Variant Classification Summary - May 2015. Collection method: clinical testing. Allele origin: germline.
Comment: Variant summary: ACTN2 c.1864G>A (p.Asp622Asn) results in a conservative amino acid change located in the Spectrin repeat domain (IPR002017) of the encoded protein sequence. Three of five in-silico tools predict a damaging effect of the variant on protein function. The variant allele was found at a frequency of 0.00023 in 251418 control chromosomes. The observed variant frequency is approximately 9.4 fold of the estimated maximal expected allele frequency for a pathogenic variant in ACTN2 causing Cardiomyopathy phenotype (2.5e-05), strongly suggesting that the variant is benign. c.1864G>A has been reported in the literature at-least once in sequencing studies of individuals affected with Hypertrophic Cardiomyopathy. These report(s) do not provide unequivocal conclusions about association of the variant with Cardiomyopathy (Jaaskelainen_2019). To our knowledge, no experimental evidence demonstrating an impact on protein function has been reported. Six clinical diagnostic laboratories have submitted clinical-significance assessments for this variant to ClinVar after 2014 without evidence for independent evaluation. Multiple laboratories reported the variant with conflicting assessments of likely benign (n=3) and uncertain significance (n=3). Based on the evidence outlined above, the variant was classified as likely benign.

Ambry Genetics
Classification: Likely benign for Cardiovascular phenotype. Last evaluated: 2018-06-01. Review status: criteria provided, single submitter. Criteria: Ambry Variant Classification Scheme 2023. Collection method: clinical testing. Allele origin: germline.

Illumina Laboratory Services, Illumina
Classification: Uncertain significance for Dilated cardiomyopathy 1AA. Last evaluated: 2018-01-13. Review status: criteria provided, single submitter. Criteria: ICSL Variant Classification Criteria 13 December 2019. Collection method: clinical testing. Allele origin: germline.

Laboratory for Molecular Medicine, Mass General Brigham Personalized Medicine
Classification: Likely benign. Last evaluated: 2015-01-29. Review status: criteria provided, single submitter. Criteria: LMM Criteria. Collection method: clinical testing. Allele origin: germline. Observed: 5 variant alleles.
Comment: p.Asp622Asn in exon 16 of ACTN2: This variant is not expected to have clinical s ignificance because it has been identified in 0.3% (33/10562) of African chromos omes by the Exome Aggregation Consortium (ExAC; dbSNP rs138452803).

Clinical Genetics DNA and cytogenetics Diagnostics Lab, Erasmus MC, Erasmus Medical Center
Classification: Likely benign. Review status: no assertion criteria provided. Collection method: clinical testing. Allele origin: germline. Affected: yes. Study: VKGL Data-share Consensus. Not counted in ClinVar's aggregate classification.

Clinical Genetics, Academic Medical Center
Classification: Benign. Review status: no assertion criteria provided. Collection method: clinical testing. Allele origin: germline. Affected: yes. Study: VKGL Data-share Consensus. Not counted in ClinVar's aggregate classification.

Genome Diagnostics Laboratory, University Medical Center Utrecht
Classification: Likely benign. Review status: no assertion criteria provided. Collection method: clinical testing. Allele origin: germline. Affected: yes. Study: VKGL Data-share Consensus. Not counted in ClinVar's aggregate classification.

Joint Genome Diagnostic Labs from Nijmegen and Maastricht, Radboudumc and MUMC+
Classification: Likely benign. Review status: no assertion criteria provided. Collection method: clinical testing. Allele origin: germline. Affected: yes. Study: VKGL Data-share Consensus. Not counted in ClinVar's aggregate classification.

Literature cited by the submitters: PubMed 30775854 (cited by Women's Health and Genetics/Laboratory Corporation of America, LabCorp).